The following is an entry in ClinVar:

ClinVar aggregate classification (germline): Pathogenic/Likely pathogenic. Review status: criteria provided, multiple submitters, no conflicts (2 of 4 stars). 23 submissions from 23 submitters: Pathogenic (19); Likely pathogenic (1). 3 of the submissions do not count toward it. Last evaluated 2025-07-08.
ClinVar aggregate classification (oncogenicity): Uncertain significance (1 of 4 stars; one submission).

Conditions:
Noonan syndrome and Noonan-related syndrome. Identifiers: Orphanet 98733, MedGen C5681679, MONDO:0020297.
Cardiovascular phenotype. Identifiers: MedGen CN230736.
Metachondromatosis (METCDS). Identifiers: Orphanet 2499, MedGen C0410530, MONDO:0007979, OMIM 156250.
Juvenile myelomonocytic leukemia (JMML). Also called: LEUKEMIA, JUVENILE MYELOMONOCYTIC, SOMATIC. Identifiers: Orphanet 86834, MedGen C0349639, MONDO:0011908, OMIM 607785, HP:0012209.
Noonan syndrome 1 (NS1). Also called: TURNER PHENOTYPE WITH NORMAL KARYOTYPE; FEMALE PSEUDO-TURNER SYNDROME; PTPN11-Related Noonan Syndrome. Identifiers: Orphanet 648, MedGen C4551602, MONDO:0008104, OMIM 163950. Disease mechanism: gain of function.
LEOPARD syndrome 1 (LPRD1). Also called: PTPN11-Related LEOPARD Syndrome; LENTIGINOSIS, CARDIOMYOPATHIC; MULTIPLE LENTIGINES SYNDROME. Identifiers: Orphanet 500, MedGen C4551484, MONDO:0100082, OMIM 151100.
RASopathy. Also called: rasopathies; Noonan spectrum disorder. Identifiers: Orphanet 536391, MedGen C5555857, MONDO:0021060.
Noonan syndrome (NS). Also called: Noonan's syndrome. Identifiers: Orphanet 648, MedGen C0028326, MeSH D009634, MONDO:0018997. Disease mechanism: gain of function.
Acute myeloid leukemia (AML). Also called: Leukemia, acute myelogenous, somatic; Leukemia, acute myeloid, somatic; Acute myeloid leukemia, adult; AML adult; Acute non-lymphocytic leukemia; Acute granulocytic leukemia. Identifiers: Orphanet 519, MedGen C0023467, MeSH D015470, MONDO:0018874, OMIM 601626, HP:0004808. Disease mechanism: Constitutively activated FLT3.

Submissions 1 to 5 of 24:

Center for Virology of Infectious and Tropical Diseases (CVMIT), Mohammed V Military Teaching Hospital
Classification: Uncertain significance for Acute myeloid leukemia. Last evaluated: 2026-10-26. Review status: criteria provided, single submitter. Criteria: ClinGen/CGC/VICC Guidelines for Oncogenicity, 2022. Collection method: research. Allele origin: somatic. Affected: yes. Observed: 1 variant allele.
Comment: PTPN11 p.Ala72Gly. Oncogenicity classified with the ClinGen/CGC/VICC SOP (Horak et al. 2022, PMID:35101336). Criteria applied: OM1: A72 lies in the N-SH2 domain at the autoinhibitory N-SH2/PTP interface, where gain-of-function PTPN11 variants cluster (PMID:12717436, PMID:16358218); OP3: hotspot at A72 (18 tumours; A72G in 2); concordant in silico predictions (CADD 26.5, AlphaMissense likely pathogenic 0.993, SIFT deleterious) (OP1); absent from gnomAD v4 (OP4). Total 5 points (Uncertain significance). ClinVar at analysis (release 2022-07-09, used by Ion Reporter): Variation ID 13325, Pathogenic/Likely pathogenic. Current record: ClinVar VCV000013325.84 (consulted 2026-10-29): germline classification Pathogenic/Likely pathogenic.

Dasa
Classification: Pathogenic. Last evaluated: 2025-07-08. Review status: criteria provided, single submitter. Criteria: DASA Assertion Criteria. Collection method: clinical testing. Allele origin: germline.
Comment: NM_002834.5(PTPN11):c.215C>G (p.Ala72Gly) is a missense variant that results in the substitution of alanine with glycine. The affected residue or protein region has prior evidence supporting clinical relevance. De novo occurrence has been reported in an individual with related phenotype. Functional evidence supports a deleterious effect on the gene or gene product (PMID: 11704759; PMID: 12960218; PMID: 15001945; PMID: 15956085; PMID: 19020799). This variant has been recurrently observed in individuals with related phenotype (PMID: 11704759; PMID: 12960218; PMID: 15001945; PMID: 15956085; PMID: 19020799). Multiple computational predictions support a deleterious effect on the gene or gene product. The variant is present at low frequency in population datasets. Based on the available data, this variant is classified as pathogenic.

Women's Health and Genetics/Laboratory Corporation of America, LabCorp
Classification: Pathogenic for RASopathy. Last evaluated: 2025-06-16. Review status: criteria provided, single submitter. Criteria: LabCorp Variant Classification Summary - May 2015. Collection method: clinical testing. Allele origin: germline.
Comment: Variant summary: PTPN11 c.215C>G (p.Ala72Gly) results in a non-conservative amino acid change located in the N-terminal Src homology 2 (SH2) domain (IPR000980) of the encoded protein sequence. Algorithms developed to predict the effect of missense changes on protein structure and function all suggest that this variant is likely to be disruptive. The variant was absent in 251856 control chromosomes. c.215C>G has been observed in multiple individuals affected with Noonan Syndrome and related conditions (Tartaglia, 2001; Tartaglia, 2006, Sarkozy, 2003 and Ezquieta, 2012), including several de novo events. Different variant affecting the same codon have been classified as pathogenic by our lab (e.g. c.214G>A, p.Ala72Thr), supporting the critical relevance of codon 72 to PTPN11 protein function. To our knowledge, no experimental evidence demonstrating an impact on protein function has been reported. The following publications have been ascertained in the context of this evaluation (PMID: 32561839, 27069254, 19179468, 22465605, 15956085, 17972951, 15928039, 21784453, 14644997, 15385933, 15710330, 27276561, 12960218, 25395418, 25097206, 11704759, 12717436, 14982869, 19047918). ClinVar contains an entry for this variant (Variation ID: 13325). Based on the evidence outlined above, the variant was classified as pathogenic.

Labcorp Genetics (formerly Invitae), Labcorp
Classification: Pathogenic for RASopathy. Last evaluated: 2025-02-17. Review status: criteria provided, single submitter. Criteria: Invitae Variant Classification Sherloc (09022015). Collection method: clinical testing. Allele origin: germline.
Comment: This sequence change replaces alanine, which is neutral and non-polar, with glycine, which is neutral and non-polar, at codon 72 of the PTPN11 protein (p.Ala72Gly). This variant is not present in population databases (gnomAD no frequency). This missense change has been observed in individual(s) with Noonan syndrome and hypertrophic cardiomyopathy and mitral valve anomaly (PMID: 11704759, 12960218, 15001945, 15956085, 19020799). In at least one individual the variant was observed to be de novo. ClinVar contains an entry for this variant (Variation ID: 13325). Invitae Evidence Modeling of protein sequence and biophysical properties (such as structural, functional, and spatial information, amino acid conservation, physicochemical variation, residue mobility, and thermodynamic stability) indicates that this missense variant is expected to disrupt PTPN11 protein function with a positive predictive value of 95%. This variant disrupts the p.Ala72 amino acid residue in PTPN11. Other variant(s) that disrupt this residue have been determined to be pathogenic (PMID: 11704759, 12161469, 14974085, 16399795, 17339163, 18678287, 26918529). This suggests that this residue is clinically significant, and that variants that disrupt this residue are likely to be disease-causing. For these reasons, this variant has been classified as Pathogenic.

ARUP Laboratories, Molecular Genetics and Genomics, ARUP Laboratories
Classification: Pathogenic. Last evaluated: 2024-02-27. Review status: criteria provided, single submitter. Criteria: ARUP Molecular Germline Variant Investigation Process 2024. Collection method: clinical testing. Allele origin: germline.
Comment: The PTPN11 c.215C>G; p.Ala72Gly variant (rs121918454) is reported in the literature in multiple individuals affected with Noonan syndrome, including several occurrences de novo (Ferreira 2005, Gabriel 2022, Lee 2011, Li 2019, Tartaglia 2002, Tartaglia 2006). This variant is absent from the Genome Aggregation Database (v2.1.1), indicating it is not a common polymorphism. This variant occurs in the functionally important N-terminal SH2 domain involved in catalytic regulation, and computational analyses predict that this variant is deleterious (REVEL: 0.924). Multiple other missense variants at the same codon (p.Ala72Ser, p.Ala72Thr) have also been reported in individuals affected with Noonan syndrome and are considered disease-causing (Gabriel 2022, Tartaglia 2002, Tartaglia 2006). Based on available information, the p.Ala72Gly variant is considered to be pathogenic. References: Ferreira LV et al. PTPN11 (protein tyrosine phosphatase, nonreceptor type 11) mutations and response to growth hormone therapy in children with Noonan syndrome. J Clin Endocrinol Metab. 2005 Sep;90(9):5156-60. PMID: 15956085. Gabriel H et al. Trio exome sequencing is highly relevant in prenatal diagnostics. Prenat Diagn. 2022 Jun;42(7):845-851. PMID: 34958143. Lee BH et al. Spectrum of mutations in Noonan syndrome and their correlation with phenotypes. J Pediatr. 2011 Dec;159(6):1029-35. PMID: 21784453. Li X et al. Molecular and phenotypic spectrum of Noonan syndrome in Chinese patients. Clin Genet. 2019 Oct;96(4):290-299. PMID: 31219622. Tartaglia M et al. Diversity and functional consequences of germline and somatic PTPN11 mutations in human disease. Am J Hum Genet. 2006 Feb;78(2):279-90. PMID: 16358218. Tartaglia M et al. Mutations in PTPN11, encoding the protein tyrosine phosphatase SHP-2, cause Noonan syndrome. Nat Genet. 2001 Dec;29(4):465-8. PMID: 11704759.

NM_002834.5(PTPN11):c.215C>G (p.Ala72Gly)

Gene: PTPN11 (protein tyrosine phosphatase non-receptor type 11; plus strand). Cytogenetic location: 12q24.13.
Variant type: single nucleotide variant.
Coding change: c.215C>G on transcript NM_002834.5 (MANE Select); coding-DNA position 215, C replaced by G.
Protein change: p.Ala72Gly; replaces alanine 72 with glycine.
Molecular consequence: missense variant.
Genome position (GRCh38, 1-based): chr12:112,450,395, C>G. VCF-style: chr12-112450395-C-G. GRCh37 (hg19) VCF-style: chr12-112888199-C-G.
Other names: p.A72G:GCC>GGC; c.215C>G, p.Ala72Gly (NM_001330437.2, NM_080601.3); c.212C>G, p.Ala71Gly (NM_001374625.1); short protein forms A72G, A71G.
Identifiers: ClinVar variation 13325 (VCV000013325.87), dbSNP rs121918454, ClinGen allele CA235319.